The following is an entry in ClinVar:

ClinVar aggregate classification (germline): Uncertain significance (1 of 4 stars; one submission).

gnomAD v4.1: 1 of 1,613,916 alleles (0.000062%); highest among the groups gnomAD compares: Non-Finnish European, 0.000085%; no homozygotes.

Submission:

Mayo Clinic Laboratories, Mayo Clinic
Classification: Uncertain significance. Last evaluated: 2025-01-15. Review status: criteria provided, single submitter. Criteria: ACMG Guidelines, 2015. Collection method: clinical testing. Allele origin: germline. Observed: 1 variant allele.
Comment: BP4, PM2_supporting

NM_017866.6(TMEM70):c.221A>G (p.Tyr74Cys)

Gene: TMEM70 (transmembrane protein 70; plus strand). Cytogenetic location: 8q21.11.
Variant type: single nucleotide variant.
Coding change: c.221A>G on transcript NM_017866.6 (MANE Select); coding-DNA position 221, A replaced by G.
Protein change: p.Tyr74Cys; replaces tyrosine 74 with cysteine.
Molecular consequence: missense variant. On other transcripts: non-coding transcript variant (1).
Genome position (GRCh38, 1-based): chr8:73,978,766, A>G. VCF-style: chr8-73978766-A-G. GRCh37 (hg19) VCF-style: chr8-74891001-A-G.
Other names: p.Tyr74Cys; c.221A>G, p.Tyr74Cys (NM_001040613.3); short protein forms Y74C.
Identifiers: ClinVar variation 4541379 (VCV004541379.1).